The following is an entry in ClinVar:

NM_004958.4(MTOR):c.4737A>G (p.Ala1579=)

Genes: MTOR (mechanistic target of rapamycin kinase; minus strand), MTOR-AS1 (MTOR antisense RNA 1; plus strand). Cytogenetic location: 1p36.22.
Variant type: single nucleotide variant.
Coding change: c.4737A>G on transcript NM_004958.4 (MANE Select); coding-DNA position 4737, A replaced by G.
Protein change: p.Ala1579=; no amino-acid change (alanine 1579 retained).
Molecular consequence: synonymous variant.
Genome position (GRCh38, 1-based): chr1:11,144,995, T>C on the plus strand (A>G on the coding strand, the complement: MTOR is on the minus strand). VCF-style: chr1-11144995-T-C. GRCh37 (hg19) VCF-style: chr1-11205052-T-C.
Other names: c.4737A>G, p.Ala1579= (NM_001386500.1); c.3489A>G, p.Ala1163= (NM_001386501.1); c.4737A>G (NM_004958.3).
Identifiers: ClinVar variation 1118649 (VCV001118649.12), dbSNP rs774280805, ClinGen allele CA589561.
Genomic context (GRCh38, chr1:11,144,995, plus strand): 5'-AAAATGACAATGTGCAGAATAGTTGACACTTACCCCATATGCCCGACTGTAACTCTCTCC[T>C]GCCATCGCAGTTAATTCAGCATCCAGCAGGTCCCTGGCCTTGTCAATGCACTAGAAGAGA-3'
Protein context (NP_004949.1, residues 1569-1589): DLLDAELTAM[Ala1579=]GESYSRAYGA

ClinVar aggregate classification (germline): Likely benign. Review status: criteria provided, multiple submitters, no conflicts (2 of 4 stars). 3 submissions from 3 submitters: Likely benign (2). 1 of the submissions does not count toward it. Last evaluated 2025-08-18.

Conditions:
MTOR-related disorder. Also called: MTOR-related condition.

Allele frequency attached by ClinVar (database versions not stated): gnomAD exomes below 0.00001; ExAC 0.00001; TOPMed 0.00002.
gnomAD v4.1: 6 of 1,614,162 alleles (0.00037%); highest among the groups gnomAD compares: East Asian, 0.0022%; no homozygotes.

Submissions (3):

Labcorp Genetics (formerly Invitae), Labcorp
Classification: Likely benign. Last evaluated: 2025-08-18. Review status: criteria provided, single submitter. Criteria: Invitae Variant Classification Sherloc (09022015). Collection method: clinical testing. Allele origin: germline.

Blueprint Genetics
Classification: Likely benign. Last evaluated: 2022-08-01. Review status: criteria provided, single submitter. Criteria: ACMG Guidelines, 2015. Collection method: clinical testing. Allele origin: germline.

PreventionGenetics, part of Exact Sciences
Classification: Likely benign for MTOR-related condition. Last evaluated: 2024-07-12. Review status: no assertion criteria provided. Collection method: clinical testing. Allele origin: germline. Not counted in ClinVar's aggregate classification.
Comment: This variant is classified as likely benign based on ACMG/AMP sequence variant interpretation guidelines (Richards et al. 2015 PMID: 25741868, with internal and published modifications).